The following is an entry in ClinVar:

NM_001349074.2(TBC1D5):c.2117G>A (p.Arg706Gln)

Gene: TBC1D5 (TBC1 domain family member 5; minus strand). Cytogenetic location: 3p24.3.
Variant type: single nucleotide variant.
Coding change: c.2117G>A on transcript NM_001349074.2 (MANE Select); coding-DNA position 2117, G replaced by A.
Protein change: p.Arg706Gln; replaces arginine 706 with glutamine.
Molecular consequence: missense variant.
Genome position (GRCh38, 1-based): chr3:17,166,810, C>T on the plus strand (G>A on the coding strand, the complement: TBC1D5 is on the minus strand). VCF-style: chr3-17166810-C-T. GRCh37 (hg19) VCF-style: chr3-17208302-C-T.
Other names: c.2117G>A, p.Arg706Gln (NM_001134381.2, NM_001349073.2, NM_001349075.2); c.2051G>A, p.Arg684Gln (NM_001349076.2, NM_001349077.2, NM_001349078.2 and 3 more transcripts); c.2072G>A, p.Arg691Gln (NM_001349081.2); c.1709G>A, p.Arg570Gln (NM_001349082.2, NM_001349083.2, NM_001349084.2 and 2 more transcripts); c.1643G>A, p.Arg548Gln (NM_001349087.2, NM_001349088.2, NM_001349089.2 and 2 more transcripts); short protein forms R570Q, R684Q, R706Q, R691Q, R548Q.
Identifiers: ClinVar variation 2389077 (VCV002389077.3), dbSNP rs774391519, ClinGen allele CA2281098.

ClinVar aggregate classification (germline): Uncertain significance (1 of 4 stars; one submission).

Allele frequency attached by ClinVar (database versions not stated): TOPMed 0.00002.
gnomAD v4.1: 41 of 1,613,990 alleles (0.0025%); highest among the groups gnomAD compares: Middle Eastern, 0.033%; no homozygotes.

Submission:

Ambry Genetics
Classification: Uncertain significance. Last evaluated: 2026-06-03. Review status: criteria provided, single submitter. Criteria: Ambry Variant Classification Scheme 2023. Collection method: clinical testing. Allele origin: germline.
Comment: The c.2117G>A (p.R706Q) alteration is located in exon 23 (coding exon 20) of the TBC1D5 gene. This alteration results from a G to A substitution at nucleotide position 2117, causing the arginine (R) at amino acid position 706 to be replaced by a glutamine (Q). Based on data from gnomAD, the A allele has an overall frequency of 0.004% (10/282384) total alleles studied. The highest observed frequency was 0.008% (10/128836) of European (non-Finnish) alleles. Based on insufficient or conflicting evidence, the clinical significance of this alteration remains unclear.